The following is an entry in ClinVar:

NM_001110556.2(FLNA):c.4181G>A (p.Gly1394Asp)

Gene: FLNA (filamin A; minus strand). Cytogenetic location: Xq28.
Variant type: single nucleotide variant.
Coding change: c.4181G>A on transcript NM_001110556.2 (MANE Select); coding-DNA position 4181, G replaced by A.
Protein change: p.Gly1394Asp; replaces glycine 1394 with aspartic acid.
Molecular consequence: missense variant.
Genome position (GRCh38, 1-based): chrX:154,359,368, C>T on the plus strand (G>A on the coding strand, the complement: FLNA is on the minus strand). VCF-style: chrX-154359368-C-T. GRCh37 (hg19) VCF-style: chrX-153587736-C-T.
Other names: c.4181G>A, p.Gly1394Asp (NM_001456.4); short protein forms G1394D.
Identifiers: ClinVar variation 4789587 (VCV004789587.1).

ClinVar aggregate classification (germline): Uncertain significance (1 of 4 stars; one submission).

Conditions:
Heterotopia, periventricular, X-linked dominant (PVNH1). Also called: PERIVENTRICULAR NODULAR HETEROTOPIA 4; HETEROTOPIA, PERIVENTRICULAR, 1; PERIVENTRICULAR NODULAR HETEROTOPIA 1; X-linked periventricular heterotopia. Identifiers: Orphanet 2149, Orphanet 82004, MedGen C1848213, MONDO:0010233, OMIM 300049.
Oto-palato-digital syndrome, type II (OPD2). Also called: Otopalatodigital Syndrome, Type II; FACIOPALATOOSSEOUS SYNDROME; OPD II SYNDROME; Otopalatodigital Syndrome Type 2 (FLNA-OPD2). Identifiers: Orphanet 669, Orphanet 90652, MedGen C1844696, MONDO:0010571, OMIM 304120.
Melnick-Needles syndrome (MNS). Also called: MELNICK-NEEDLES OSTEODYSPLASTY; OSTEODYSPLASTY OF MELNICK AND NEEDLES; Melnick-Needles Syndrome (FLNA-MNS). Identifiers: Orphanet 2484, MedGen C0025237, MONDO:0010650, OMIM 309350.
Frontometaphyseal dysplasia (FMD1). Identifiers: Orphanet 1826, MedGen C0265293, MONDO:0015942.

Submission:

Labcorp Genetics (formerly Invitae), Labcorp
Classification: Uncertain significance for Oto-palato-digital syndrome, type II; Heterotopia, periventricular, X-linked dominant; Frontometaphyseal dysplasia; Melnick-Needles syndrome. Last evaluated: 2025-06-10. Review status: criteria provided, single submitter. Criteria: Invitae Variant Classification Sherloc (09022015). Collection method: clinical testing. Allele origin: germline.
Comment: This sequence change replaces glycine, which is neutral and non-polar, with aspartic acid, which is acidic and polar, at codon 1394 of the FLNA protein (p.Gly1394Asp). This variant is not present in population databases (gnomAD no frequency). This variant has not been reported in the literature in individuals affected with FLNA-related conditions. Invitae Evidence Modeling of protein sequence and biophysical properties (such as structural, functional, and spatial information, amino acid conservation, physicochemical variation, residue mobility, and thermodynamic stability) has been performed for this missense variant. However, the output from this modeling did not meet the statistical confidence thresholds required to predict the impact of this variant on FLNA protein function. In summary, the available evidence is currently insufficient to determine the role of this variant in disease. Therefore, it has been classified as a Variant of Uncertain Significance.